The following is an entry in ClinVar:

ClinVar aggregate classification (germline): Pathogenic/Likely pathogenic. Review status: criteria provided, multiple submitters, no conflicts (2 of 4 stars). 4 submissions from 4 submitters: Pathogenic (1); Likely pathogenic (1). 2 of the submissions do not count toward it. Last evaluated 2025-09-24.

Conditions:
IMPG1-related disorder. Also called: IMPG1-related condition.
Vitelliform macular dystrophy 4. Identifiers: Orphanet 99000, MedGen C4015342, MONDO:0014508, OMIM 616151.

Allele frequency attached by ClinVar (database versions not stated): ExAC 0.00001; TOPMed 0.00004; gnomAD exomes 0.00001; gnomAD 0.00005; ESP Exome Variant Server 0.00008.
gnomAD v4.1: 46 of 1,613,732 alleles (0.0029%); highest among the groups gnomAD compares: African/African-American, 0.004%; 1 homozygote.

Submissions (4):

Labcorp Genetics (formerly Invitae), Labcorp
Classification: Pathogenic. Last evaluated: 2025-09-24. Review status: criteria provided, single submitter. Criteria: Invitae Variant Classification Sherloc (09022015). Collection method: clinical testing. Allele origin: germline.
Comment: This sequence change creates a premature translational stop signal (p.Arg507*) in the IMPG1 gene. It is expected to result in an absent or disrupted protein product. Loss-of-function variants in IMPG1 are known to be pathogenic (PMID: 23993198). This variant is present in population databases (rs367576664, gnomAD 0.004%). This premature translational stop signal has been observed in individual(s) with autosomal recessive macular dystrophy (PMID: 23993198). It has also been observed to segregate with disease in related individuals. ClinVar contains an entry for this variant (Variation ID: 162135). For these reasons, this variant has been classified as Pathogenic.

Blueprint Genetics
Classification: Likely pathogenic for IMPG1-related disorders. Last evaluated: 2023-11-16. Review status: criteria provided, single submitter. Criteria: ACMG Guidelines, 2015. Collection method: clinical testing. Allele origin: germline. Affected: yes. Observed: 5 variant alleles.

PreventionGenetics, part of Exact Sciences
Classification: Uncertain significance for IMPG1-related condition. Last evaluated: 2024-09-09. Review status: no assertion criteria provided. Collection method: clinical testing. Allele origin: germline. Not counted in ClinVar's aggregate classification.
Comment: The IMPG1 c.1519C>T variant is predicted to result in premature protein termination (p.Arg507*). This variant has been reported in the compound heterozygous state in two siblings with vitelliform macular dystrophy (Manes et al. 2013. PubMed ID: 23993198). This variant is reported in 0.0040% of alleles in individuals of African descent in gnomAD. Nonsense variants in IMPG1 are not yet a fully established mechanism of disease. Although we suspect that this variant may be pathogenic, at this time, the clinical significance of this variant is uncertain due to the absence of conclusive functional and genetic evidence.

OMIM
Classification: Pathogenic for MACULAR DYSTROPHY, VITELLIFORM, 4. Last evaluated: 2013-09-05. Review status: no assertion criteria provided. Collection method: literature only. Allele origin: germline. Not counted in ClinVar's aggregate classification.

Literature cited by the submitters: PubMed 23993198 (cited by Labcorp Genetics (formerly Invitae), Labcorp and OMIM).

NM_001563.4(IMPG1):c.1519C>T (p.Arg507Ter)

Gene: IMPG1 (interphotoreceptor matrix proteoglycan 1; minus strand). Cytogenetic location: 6q14.1.
Variant type: single nucleotide variant.
Coding change: c.1519C>T on transcript NM_001563.4 (MANE Select); coding-DNA position 1519, C replaced by T.
Protein change: p.Arg507Ter; replaces arginine 507 with a stop codon.
Molecular consequence: nonsense.
Genome position (GRCh38, 1-based): chr6:75,950,867, G>A on the plus strand (C>T on the coding strand, the complement: IMPG1 is on the minus strand). VCF-style: chr6-75950867-G-A. GRCh37 (hg19) VCF-style: chr6-76660584-G-A.
Other names: c.1285C>T, p.Arg429Ter (NM_001282368.2); short protein forms R507*, R429*.
Identifiers: ClinVar variation 162135 (VCV000162135.11), dbSNP rs367576664, ClinGen allele CA174985.